The following is an entry in ClinVar:

ClinVar aggregate classification (germline): Pathogenic (1 of 4 stars; one submission).

Conditions:
Polycystic kidney disease, adult type (PKD1). Also called: Polycystic Kidney Disease 1, Autosomal Dominant; POLYCYSTIC KIDNEY DISEASE, ADULT, TYPE I; Polycystic kidney disease 1; Polycystic kidney disease 1, severe; POLYCYSTIC KIDNEY DISEASE 1 WITH OR WITHOUT POLYCYSTIC LIVER DISEASE; Polycystic Kidney, Autosomal Dominant. Identifiers: MedGen C3149841, MONDO:0008263, OMIM 173900.

Submission:

MVZ Medizinische Genetik Mainz
Classification: Pathogenic for Polycystic kidney disease, adult type. Last evaluated: 2026-06-02. Review status: criteria provided, single submitter. Criteria: UK Practice Guidelines For Variant Classification V4 01 2020. Collection method: clinical testing. Allele origin: germline. Inheritance: Autosomal dominant inheritance. Affected: yes. Observed: 1 variant allele.
Comment: ACMG Criteria: PVS1,PM2_SUP,PP4

NM_001009944.3(PKD1):c.1016dup (p.Ala341fs)

Gene: PKD1 (polycystin 1, transient receptor potential channel interacting; minus strand). Cytogenetic location: 16p13.3.
Variant type: Duplication.
Coding change: c.1016dup on transcript NM_001009944.3 (MANE Select); coding-DNA position 1016, one base duplicated (T; older notation c.1016dupT).
Protein change: p.Ala341fs; shifts the reading frame from alanine 341.
Molecular consequence: frameshift variant.
Genome position (GRCh38, 1-based): chr16:2,117,976, A duplicated on the plus strand (T on the coding strand, the reverse complement: PKD1 is on the minus strand). VCF-style (leftmost placement, unchanged base first): chr16-2117975-C-CA. GRCh37 (hg19) VCF-style: chr16-2167976-C-CA.
Other names: c.1016dup, p.Ala341fs (NM_000296.4); short protein forms A341fs.
Identifiers: ClinVar variation 5038208 (VCV005038208.1).